The following is an entry in ClinVar:

ClinVar aggregate classification (germline): Likely pathogenic (1 of 4 stars; one submission).

Conditions:
Autosomal recessive limb-girdle muscular dystrophy type 2B (LGMDR2). Also called: MUSCULAR DYSTROPHY, LIMB-GIRDLE, TYPE 3; MUSCULAR DYSTROPHY, LIMB-GIRDLE, AUTOSOMAL RECESSIVE 2; Limb-Girdle Muscular Dystrophy Type 2B (LGMD2B); Limb-girdle muscular dystrophy, type 2B. Identifiers: Orphanet 268, MedGen C1850889, MONDO:0009676, OMIM 253601.

Submission:

Institute of Medical Genetics and Genomics, Sir Ganga Ram Hospital
Classification: Likely pathogenic for Autosomal recessive limb-girdle muscular dystrophy type 2B. Last evaluated: 2023-07-07. Review status: criteria provided, single submitter. Criteria: ACMG Guidelines, 2015. Collection method: clinical testing. Allele origin: inherited. Inheritance: Autosomal recessive inheritance. Affected: yes. Observed: 1 compound heterozygote.
Comment: This variant has not been found in gnomAD (aggregated) database (PM2_moderate). In-silico prediction tools predict this variant to have a deleterious effect (PP3_strong). A different amino acid change is known as a pathogenic variant (PM5_supporting).

NM_001130987.2(DYSF):c.5195G>C (p.Arg1732Pro)

Gene: DYSF (dysferlin; plus strand). Cytogenetic location: 2p13.2.
Variant type: single nucleotide variant.
Coding change: c.5195G>C on transcript NM_001130987.2 (MANE Select); coding-DNA position 5195, G replaced by C.
Protein change: p.Arg1732Pro; replaces arginine 1732 with proline.
Molecular consequence: missense variant.
Genome position (GRCh38, 1-based): chr2:71,665,182, G>C. VCF-style: chr2-71665182-G-C. GRCh37 (hg19) VCF-style: chr2-71892312-G-C.
Other names: c.5081G>C, p.Arg1694Pro (NM_001130455.2); c.5036G>C, p.Arg1679Pro (NM_001130976.2); c.5099G>C, p.Arg1700Pro (NM_001130977.2); c.5141G>C, p.Arg1714Pro (NM_001130978.2); c.5171G>C, p.Arg1724Pro (NM_001130979.2); c.5129G>C, p.Arg1710Pro (NM_001130980.2); c.5192G>C, p.Arg1731Pro (NM_001130981.2); c.5174G>C, p.Arg1725Pro (NM_001130982.2); and 5 more; short protein forms R1715P, R1680P, R1694P, R1700P, R1725P, R1679P, R1693P, R1724P.
Identifiers: ClinVar variation 2570601 (VCV002570601.2), dbSNP rs779987458, ClinGen allele CA347220943.
Genomic context (GRCh38, chr2:71,665,182, plus strand): 5'-CCTTGAAGCATCTCATCTATGTCTTGTGCTTGCTCCTCAGCTCTGGACCGAACCAGTGGC[G>C]GGACCAGCTCCGCCCCTCCCAGCTCCTCCACCTCTTCTGCCAGCAGCATAGAGTCAAGGC-3'
Protein context (NP_001124459.1, residues 1722-1742): TYCVSGPNQW[Arg1732Pro]DQLRPSQLLH